The following is an entry in ClinVar:

NM_001042545.2(LTBP4):c.3016C>T (p.Gln1006Ter)

Gene: LTBP4 (latent transforming growth factor beta binding protein 4; plus strand). Cytogenetic location: 19q13.2.
Variant type: single nucleotide variant.
Coding change: c.3016C>T on transcript NM_001042545.2 (MANE Select); coding-DNA position 3016, C replaced by T.
Protein change: p.Gln1006Ter; replaces glutamine 1006 with a stop codon.
Molecular consequence: nonsense.
Genome position (GRCh38, 1-based): chr19:40,617,171, C>T. VCF-style: chr19-40617171-C-T. GRCh37 (hg19) VCF-style: chr19-41123077-C-T.
Other names: c.3217C>T, p.Gln1073Ter (NM_001042544.1); c.3106C>T, p.Gln1036Ter (NM_003573.2); short protein forms Q1006*, Q1036*, Q1073*.
Identifiers: ClinVar variation 4717678 (VCV004717678.1).
Genomic context (GRCh38, chr19:40,617,171, plus strand): 5'-TGCCGGAACCGGTCCTTCTGCGGTGCCCACGCCGTGTGCCAGAACCTGCCCGGCTCCTTC[C>T]AGTGCCTCTGTGACCAGGGTTACGAGGGGGCACGGGATGGGCGTCACTGCGTGGGTACGG-3'

ClinVar aggregate classification (germline): Pathogenic (1 of 4 stars; one submission).

Submission:

Labcorp Genetics (formerly Invitae), Labcorp
Classification: Pathogenic. Last evaluated: 2025-04-17. Review status: criteria provided, single submitter. Criteria: Invitae Variant Classification Sherloc (09022015). Collection method: clinical testing. Allele origin: germline.
Comment: This sequence change creates a premature translational stop signal (p.Gln1036*) in the LTBP4 gene. It is expected to result in an absent or disrupted protein product. Loss-of-function variants in LTBP4 are known to be pathogenic (PMID: 19836010, 22829427). This variant is not present in population databases (gnomAD no frequency). This variant has not been reported in the literature in individuals affected with LTBP4-related conditions. For these reasons, this variant has been classified as Pathogenic.

Literature cited by the submitters: PubMed 19836010; PubMed 22829427.